The following is an entry in ClinVar:

NM_000260.4(MYO7A):c.1679A>G (p.Tyr560Cys)

Gene: MYO7A (myosin VIIA; plus strand). Cytogenetic location: 11q13.5.
Variant type: single nucleotide variant.
Coding change: c.1679A>G on transcript NM_000260.4 (MANE Select); coding-DNA position 1679, A replaced by G.
Protein change: p.Tyr560Cys; replaces tyrosine 560 with cysteine.
Molecular consequence: missense variant.
Genome position (GRCh38, 1-based): chr11:77,162,977, A>G. VCF-style: chr11-77162977-A-G. GRCh37 (hg19) VCF-style: chr11-76874023-A-G.
Other names: c.1679A>G, p.Tyr560Cys (NM_001127180.2); c.1646A>G, p.Tyr549Cys (NM_001369365.1); c.1679A>G (NM_000260.3); short protein forms Y549C, Y560C.
Identifiers: ClinVar variation 1185130 (VCV001185130.32), dbSNP rs2135312491, ClinGen allele CA381936371.

ClinVar aggregate classification (germline): Pathogenic/Likely pathogenic. Review status: criteria provided, multiple submitters, no conflicts (2 of 4 stars). 8 submissions from 8 submitters: Pathogenic (2); Likely pathogenic (4). 2 of the submissions do not count toward it. Last evaluated 2025-02-20.

Conditions:
Autosomal dominant nonsyndromic hearing loss 11. Identifiers: Orphanet 90635, MedGen C1832475, MONDO:0011032, OMIM 601317.
Autosomal recessive nonsyndromic hearing loss 2. Also called: DEAFNESS, AUTOSOMAL RECESSIVE 2; NEUROSENSORY NONSYNDROMIC RECESSIVE DEAFNESS 2. Identifiers: Orphanet 90636, MedGen C1838701, MONDO:0010807, OMIM 600060.
Usher syndrome type 1 (USH1). Also called: RETINITIS PIGMENTOSA AND CONGENITAL DEAFNESS. Identifiers: Orphanet 231169, Orphanet 886, MedGen C1568247, MONDO:0010168, OMIM 276900.
Usher syndrome type 1B (USH1B). Also called: Usher syndrome type IB. Identifiers: MedGen C1848638, MONDO:0700087.
Usher syndrome. Also called: Usher Syndromes; Usher's syndrome. Identifiers: Orphanet 886, MedGen CN469326, MeSH D052245, MONDO:0019501. Disease mechanism: loss of function.

Submissions (8):

GeneDx
Classification: Likely pathogenic. Last evaluated: 2025-02-20. Review status: criteria provided, single submitter. Criteria: GeneDx Variant Classification Process June 2021. Collection method: clinical testing. Allele origin: germline. Affected: yes.
Comment: Identified with a second MYO7A variant in individuals with hearing loss in the published literature, however, it is not known whether the variants occurred on the same (in cis) or on different (in trans) chromosomes, and detailed clinical information was not provided (PMID: 35982127, 34416374, 30896630); Not observed at significant frequency in large population cohorts (gnomAD); In silico analysis supports that this missense variant has a deleterious effect on protein structure/function; This variant is associated with the following publications: (PMID: 34194829, 35982127, 30896630, 34416374)

Natera, Inc.
Classification: Likely pathogenic for Usher syndrome type 1B. Last evaluated: 2024-12-11. Review status: criteria provided, single submitter. Criteria: Natera Variant Classification Schema (03/2026). Collection method: clinical testing. Allele origin: germline.
Comment: The c.1679A>G variant in MYO7A is a missense variant predicted to cause substitution of tyrosine to cysteine at amino acid 560. This variant is rare in the general population with a frequency below the threshold expected for the associated phenotype(s). This variant has been observed in one or more individuals affected with the associated recessive disease, as either homozygous or compound heterozygous with a second variant (PMID: 34194829, 34416374). Additionally, this variant has been observed to segregate in affected family members (PMID: 34194829). Computational prediction algorithms indicate this variant is likely to affect gene or protein function. Given the available evidence, this variant is classified as Likely Pathogenic.

Women's Health and Genetics/Laboratory Corporation of America, LabCorp
Classification: Pathogenic for Usher syndrome. Last evaluated: 2024-07-05. Review status: criteria provided, single submitter. Criteria: LabCorp Variant Classification Summary - May 2015. Collection method: clinical testing. Allele origin: germline.
Comment: Variant summary: MYO7A c.1679A>G (p.Tyr560Cys) results in a non-conservative amino acid change located in the Myosin head, motor domain (IPR001609) of the encoded protein sequence. Five of five in-silico tools predict a damaging effect of the variant on protein function. The variant was absent in 249248 control chromosomes (gnomAD). c.1679A>G has been reported in the literature in multiple individuals affected with autosomal recessive hearing loss (example: Guan_2021, Sun_2019, Wu_20220), and in homozygous individuals affected with Usher Syndrome from a family where it segregated with the disease (Souissi_2021). These data indicate that the variant is very likely to be associated with disease. To our knowledge, no experimental evidence demonstrating an impact on protein function has been reported. The following publications have been ascertained in the context of this evaluation (PMID: 35982127, 34416374, 34194829, 30896630). ClinVar contains an entry for this variant (Variation ID: 1185130). Based on the evidence outlined above, the variant was classified as pathogenic.

SN ONGC Dept of Genetics and Molecular biology Vision Research Foundation
Classification: Pathogenic for Usher syndrome. Last evaluated: 2022-12-31. Review status: criteria provided, single submitter. Criteria: ACMG Guidelines, 2015. Collection method: research. Allele origin: unknown. Affected: yes. Observed: 1 variant allele, 1 compound heterozygote.

MGZ Medical Genetics Center
Classification: Likely pathogenic for Usher syndrome type 1. Last evaluated: 2022-07-22. Review status: criteria provided, single submitter. Criteria: ACMG Guidelines, 2015. Collection method: clinical testing. Allele origin: germline. Affected: yes. Observed: 1 variant allele.
Comment: ACMG criteria applied: PS4_MOD, PM2_SUP, PM3_SUP, PM5_SUP, PP3

Juno Genomics, Hangzhou Juno Genomics, Inc
Classification: Likely pathogenic for Usher syndrome type 1; Autosomal dominant nonsyndromic hearing loss 11; Autosomal recessive nonsyndromic hearing loss 2. Review status: criteria provided, single submitter. Criteria: ACMG Guidelines, 2015. Collection method: clinical testing. Allele origin: germline.
Comment: Absent from controls (or at extremely low frequency if recessive) in Genome Aggregation Database.;Multiple lines of computational evidence support a deleterious effect on the gene or gene product.;For recessive disorders, detected in trans with a pathogenic variant.;Co-segregation with disease in multiple affected family members.;Patient's phenotype or family history is highly specific for a disease with a single genetic etiology.

WangQJ Lab, Chinese People's Liberation Army General Hospital
Classification: Uncertain significance for Autosomal recessive nonsyndromic hearing loss 2. Last evaluated: 2021-07-01. Review status: flagged submission. Collection method: clinical testing. Allele origin: maternal. Affected: yes. Not counted in ClinVar's aggregate classification.
ClinVar note: Reason: Older claim that does not account for recent evidence

Deafness Molecular Diagnostic Center, Chinese PLA General Hospital
Classification: Uncertain significance for Autosomal recessive nonsyndromic hearing loss 2. Review status: flagged submission. Criteria: ACMG Guidelines, 2015. Collection method: case-control. Allele origin: paternal. Affected: yes. Not counted in ClinVar's aggregate classification.
ClinVar note: Reason: Older claim that does not account for recent evidence

Literature cited by the submitters: PubMed 34194829 (cited by Natera, Inc. and Women's Health and Genetics/Laboratory Corporation of America, LabCorp); PubMed 34416374 (cited by Natera, Inc. and Women's Health and Genetics/Laboratory Corporation of America, LabCorp); PubMed 35982127 (cited by Women's Health and Genetics/Laboratory Corporation of America, LabCorp); PubMed 30896630 (cited by Women's Health and Genetics/Laboratory Corporation of America, LabCorp).